The following is an entry in ClinVar:

NM_000441.2(SLC26A4):c.1337A>G (p.Gln446Arg)

Gene: SLC26A4 (solute carrier family 26 member 4; plus strand). Cytogenetic location: 7q22.3.
Variant type: single nucleotide variant.
Coding change: c.1337A>G on transcript NM_000441.2 (MANE Select); coding-DNA position 1337, A replaced by G.
Protein change: p.Gln446Arg; replaces glutamine 446 with arginine.
Molecular consequence: missense variant.
Genome position (GRCh38, 1-based): chr7:107,694,476, A>G. VCF-style: chr7-107694476-A-G. GRCh37 (hg19) VCF-style: chr7-107334921-A-G.
Other names: short protein forms Q446R.
Identifiers: ClinVar variation 550505 (VCV000550505.21), dbSNP rs768471577, ClinGen allele CA4432777.

ClinVar aggregate classification (germline): Pathogenic/Likely pathogenic. Review status: criteria provided, multiple submitters, no conflicts (2 of 4 stars). 11 submissions from 11 submitters: Pathogenic (6); Likely pathogenic (3). 2 of the submissions do not count toward it. Last evaluated 2026-09-04.

Conditions:
Autosomal recessive nonsyndromic hearing loss 4 (DFNB4). Also called: Enlarged vestibular aqueduct, digenic; FOXI1-Related Pendred Syndrome; KCNJ10-Related Pendred Syndrome; DEAFNESS, AUTOSOMAL RECESSIVE 4, WITH ENLARGED VESTIBULAR AQUEDUCT, DIGENIC; Nonsyndromic enlarged vestibular aqueduct (NSEVA); NEUROSENSORY NONSYNDROMIC RECESSIVE DEAFNESS 4. Identifiers: Orphanet 90636, MedGen C3538946, MONDO:0010933, OMIM 600791.
Pendred syndrome (PDS). Also called: DEAFNESS WITH GOITER; GOITER-DEAFNESS SYNDROME; HYPOTHYROIDISM, CONGENITAL, DUE TO DYSHORMONOGENESIS, 2B; Pendred Syndrome (PDS); Pendred's syndrome; THYROID DYSHORMONOGENESIS 2B. Identifiers: Orphanet 705, MedGen C0271829, MONDO:0010134, OMIM 274600.
Hearing loss, autosomal recessive. Also called: Nonsyndromic Hearing Loss, Recessive; Deafness, autosomal recessive; Autosomal recessive nonsyndromic deafness; Rare autosomal recessive non-syndromic sensorineural deafness type DFNB. Identifiers: Orphanet 90635, Orphanet 90636, MedGen C1846647, MONDO:0019588, OMIM 607197.
Monogenic hearing loss.

Allele frequency attached by ClinVar (database versions not stated): gnomAD below 0.00001 and 0.00002; gnomAD exomes 0.00004 and 0.00008; ExAC 0.00008.

Submissions (11):

North West Genomic Laboratory Hub, Manchester University NHS Foundation Trust
Classification: Pathogenic for Monogenic hearing loss. Last evaluated: 2026-09-04. Review status: criteria provided, single submitter. Criteria: ACGS Best Practice Guidelines for Variant Classification in Rare Disease 2024. Collection method: clinical testing. Allele origin: germline. Affected: yes.
Comment: PP3_Supp PM2_Mod PS3_Supp PM3_Str PP1_Mod PP4_Supp

Natera, Inc.
Classification: Likely pathogenic for Pendred syndrome. Last evaluated: 2026-01-26. Review status: criteria provided, single submitter. Criteria: Natera Variant Classification Schema (03/2026). Collection method: clinical testing. Allele origin: germline.
Comment: The c.1337A>G variant in SLC26A4 is a missense variant predicted to cause substitution of glutamine to arginine at amino acid 446. This variant is rare in the general population with a frequency below the threshold expected for the associated phenotype(s). This variant has been observed in one or more individuals affected with the associated recessive disease, as either homozygous or compound heterozygous with a second variant (PMID: 27573290, 25394566, 11932316, 30303587, 38410152). Functional studies show that this variant may disrupt protein function (PMID: 11932316). Computational prediction algorithms indicate this variant is likely to affect gene or protein function. Given the available evidence, this variant is classified as Likely Pathogenic.

GeneDx
Classification: Pathogenic. Last evaluated: 2025-05-30. Review status: criteria provided, single submitter. Criteria: GeneDx Variant Classification Process June 2021. Collection method: clinical testing. Allele origin: germline. Affected: yes.
Comment: Published functional studies demonstrate a damaging effect as the p.(Q446R) variant impairs subcellular localization and iodid transport (PMID: 11932316); In silico analysis supports that this missense variant has a deleterious effect on protein structure/function; This variant is associated with the following publications: (PMID: 25525159, Ruknuddin2020[CaseReport], 33502066, 11932316, 32165640, 39271758, 10700480, 36472766, 38410152, 27771369, 24949729, 25394566, 25491636, 27573290, 19287372, 30303587, 34946889)

Baylor Genetics
Classification: Likely pathogenic for Autosomal recessive nonsyndromic hearing loss 4. Last evaluated: 2023-12-03. Review status: criteria provided, single submitter. Criteria: ACMG Guidelines, 2015. Collection method: clinical testing. Allele origin: unknown.

Labcorp Genetics (formerly Invitae), Labcorp
Classification: Pathogenic. Last evaluated: 2023-08-19. Review status: criteria provided, single submitter. Criteria: Invitae Variant Classification Sherloc (09022015). Collection method: clinical testing. Allele origin: germline.
Comment: ClinVar contains an entry for this variant (Variation ID: 550505). This missense change has been observed in individuals with Pendred syndrome or non-syndromic deafness (PMID: 11932316, 19287372, 24949729, 25394566, 25491636, 27573290). This variant is present in population databases (rs768471577, gnomAD 0.06%). This sequence change replaces glutamine, which is neutral and polar, with arginine, which is basic and polar, at codon 446 of the SLC26A4 protein (p.Gln446Arg). Advanced modeling of protein sequence and biophysical properties (such as structural, functional, and spatial information, amino acid conservation, physicochemical variation, residue mobility, and thermodynamic stability) performed at Invitae indicates that this missense variant is expected to disrupt SLC26A4 protein function. For these reasons, this variant has been classified as Pathogenic. Experimental studies have shown that this missense change affects SLC26A4 function (PMID: 11932316).

Fulgent Genetics
Classification: Likely pathogenic for Pendred syndrome; Autosomal recessive nonsyndromic hearing loss 4. Last evaluated: 2022-03-23. Review status: criteria provided, single submitter. Criteria: ACMG Guidelines, 2015. Collection method: clinical testing. Allele origin: unknown.

UAEU Genomics Laboratory, United Arab Emirates University
Classification: Pathogenic for Autosomal recessive nonsyndromic hearing loss 4. Last evaluated: 2022-03-23. Review status: criteria provided, single submitter. Criteria: ACMG Guidelines, 2015. Collection method: research. Allele origin: germline. Affected: yes. Observed: 2 variant alleles.
Comment: The missense variant NM_000441.2(SLC26A4):c.1337A>G (p.Gln446Arg) has been reported in homozygous state in several families affected with hearing loss (PMID: 30303587, PMID: 19287372, PMID: 24949729). This variant is observed in 18/30616 (0.06%) alleles from individuals of South Asian background in the gnomAD database, but was not seen in the homozygous state. Computational prediction tools and conservation analysis indicate that this change is damaging to the protein. Published in vitro functional studies indicated that this variant leads to mis-localization of the protein and loss of pendrin iodide transport (PMID: 11932316). For these reasons, this variant has been classified as Pathogenic.

Women's Health and Genetics/Laboratory Corporation of America, LabCorp
Classification: Pathogenic for Pendred syndrome. Last evaluated: 2022-02-02. Review status: criteria provided, single submitter. Criteria: LabCorp Variant Classification Summary - May 2015. Collection method: clinical testing. Allele origin: germline.
Comment: Variant summary: SLC26A4 c.1337A>G (p.Gln446Arg) results in a conservative amino acid change located in the SLC26A/SulP transporter domain (IPR011547) of the encoded protein sequence. Four of five in-silico tools predict a damaging effect of the variant on protein function. The variant allele was found at a frequency of 7.6e-05 in 250738 control chromosomes, predominantly at a frequency of 0.00059 within the South Asian subpopulation in the gnomAD database. This frequency is not higher than expected for a pathogenic variant in SLC26A4 causing Pendred Syndrome (0.00059 vs 0.0035), allowing no conclusion about variant significance. c.1337A>G has been reported in the literature in the homozygous or compound heterozygous state in multiple families affected with hearing loss (e.g. Taylor_2002, Rehman_2015, Naz_2017, Richard_2019). These data indicate that the variant is very likely to be associated with disease. Experimental evidence evaluating an impact on protein function demonstrated the variant failed to reach the cell membrane and colocalized with the endoplasmic reticulum, and had lost its ability to transport iodide (Taylor_2002). Three ClinVar submitters (evaluation after 2014) cite the variant as pathogenic/likely pathogenic. Based on the evidence outlined above, the variant was classified as pathogenic.

3billion
Classification: Pathogenic for Autosomal recessive nonsyndromic hearing loss 4. Last evaluated: 2022-01-03. Review status: criteria provided, single submitter. Criteria: ACMG Guidelines, 2015. Collection method: clinical testing. Allele origin: germline. Affected: yes. Observed: 1 homozygote.
Comment: Same nucleotide change resulting in same amino acid change has been previously reported as pathogenic/likely pathogenic with strong evidence (ClinVar ID: VCV000550505, PS1_S). Functional studies provide strong evidence of the variant having a damaging effect on the gene or gene product (PMID: 11932316, PS3_S).The variant is located in a well-established functional domain or exonic hotspot, where pathogenic variants have frequently reported (PM1_M). It is observed at an extremely low frequency in the gnomAD v2.1.1 dataset (total allele frequency: 0.000076, PM2_M). In silico tool predictions suggest damaging effect of the variant on gene or gene product (REVEL: 0.914, 3CNET: 0.817, PP3_P). A missense variant is a common mechanism associated with Deafness (PP2_P). Therefore, this variant is classified as pathogenic according to the recommendation of ACMG/AMP guideline.

Counsyl
Classification: Likely pathogenic for Pendred syndrome. Last evaluated: 2017-02-09. Review status: no assertion criteria provided. Collection method: clinical testing. Allele origin: unknown. Not counted in ClinVar's aggregate classification.

University of Washington Center for Mendelian Genomics, University of Washington
Classification: Likely pathogenic for non-syndromic autosomal recessive hearing loss. Review status: no assertion criteria provided. Collection method: research. Allele origin: inherited. Affected: yes. Not counted in ClinVar's aggregate classification.

Literature cited by the submitters: PubMed 27573290 (cited by 3 submitters); PubMed 25394566 (cited by 3 submitters); PubMed 11932316 (cited by 6 submitters); PubMed 30303587 (cited by 4 submitters); PubMed 38410152 (cited by Natera, Inc.); PubMed 19287372 (cited by 3 submitters); PubMed 24949729 (cited by 3 submitters); PubMed 25491636 (cited by 3 submitters); PubMed 25525159 (cited by Counsyl); PubMed 10700480 (cited by Counsyl).